The following is an entry in ClinVar:

ClinVar aggregate classification (germline): Uncertain significance (1 of 4 stars; one submission).

Conditions:
Myofibrillar myopathy 5. Also called: FILAMINOPATHY, AUTOSOMAL DOMINANT; Filaminopathy (type). Identifiers: Orphanet 171445, MedGen C1836050, MONDO:0012289, OMIM 609524.
Distal myopathy with posterior leg and anterior hand involvement. Also called: WILLIAMS DISTAL MYOPATHY. Identifiers: Orphanet 63273, MedGen C3279722, MONDO:0013550, OMIM 614065.
Hypertrophic cardiomyopathy 26. Also called: Cardiomyopathy, familial hypertrophic, 26. Identifiers: Orphanet 75249, MedGen C4310749, MONDO:0014883, OMIM 617047.

gnomAD v4.1: 1 of 1,611,440 alleles (0.000062%); highest among the groups gnomAD compares: Non-Finnish European, 0.000085%; no homozygotes.

Submission:

Labcorp Genetics (formerly Invitae), Labcorp
Classification: Uncertain significance for Distal myopathy with posterior leg and anterior hand involvement; Myofibrillar myopathy 5; Hypertrophic cardiomyopathy 26. Last evaluated: 2025-10-01. Review status: criteria provided, single submitter. Criteria: Invitae Variant Classification Sherloc (09022015). Collection method: clinical testing. Allele origin: germline.
Comment: This sequence change replaces isoleucine, which is neutral and non-polar, with methionine, which is neutral and non-polar, at codon 2707 of the FLNC protein (p.Ile2707Met). This variant is not present in population databases (gnomAD no frequency). This variant has not been reported in the literature in individuals affected with FLNC-related conditions. ClinVar contains an entry for this variant (Variation ID: 860247). Invitae Evidence Modeling of protein sequence and biophysical properties (such as structural, functional, and spatial information, amino acid conservation, physicochemical variation, residue mobility, and thermodynamic stability) indicates that this missense variant is not expected to disrupt FLNC protein function with a negative predictive value of 95%. In summary, the available evidence is currently insufficient to determine the role of this variant in disease. Therefore, it has been classified as a Variant of Uncertain Significance.

NM_001458.5(FLNC):c.8121T>G (p.Ile2707Met)

Genes: FLNC-AS1 (FLNC antisense RNA 1; minus strand), FLNC (filamin C; plus strand). Cytogenetic location: 7q32.1.
Variant type: single nucleotide variant.
Coding change: c.8121T>G on transcript NM_001458.5 (MANE Select); coding-DNA position 8121, T replaced by G.
Protein change: p.Ile2707Met; replaces isoleucine 2707 with methionine.
Molecular consequence: missense variant.
Genome position (GRCh38, 1-based): chr7:128,858,466, T>G. VCF-style: chr7-128858466-T-G. GRCh37 (hg19) VCF-style: chr7-128498520-T-G.
Other names: c.8022T>G, p.Ile2674Met (NM_001127487.2); short protein forms I2674M, I2707M.
Identifiers: ClinVar variation 860247 (VCV000860247.9), dbSNP rs28437296, ClinGen allele CA369221917.